The following is an entry in ClinVar:

ClinVar aggregate classification (germline): Uncertain significance (1 of 4 stars; one submission).

Conditions:
Ataxia-telangiectasia syndrome (AT). Also called: Ataxia telangiectasia (A-T); LOUIS-BAR SYNDROME; Cerebello-oculocutaneous telangiectasia; Immunodeficiency with ataxia telangiectasia; Ataxia-telangiectasia, complementation group D; AT, COMPLEMENTATION GROUP C. Identifiers: Orphanet 100, MedGen C0004135, MONDO:0008840, OMIM 208900.

Submission:

Labcorp Genetics (formerly Invitae), Labcorp
Classification: Uncertain significance for Ataxia-telangiectasia syndrome. Last evaluated: 2022-07-29. Review status: criteria provided, single submitter. Criteria: Invitae Variant Classification Sherloc (09022015). Collection method: clinical testing. Allele origin: germline.
Comment: In summary, the available evidence is currently insufficient to determine the role of this variant in disease. Therefore, it has been classified as a Variant of Uncertain Significance. Advanced modeling of protein sequence and biophysical properties (such as structural, functional, and spatial information, amino acid conservation, physicochemical variation, residue mobility, and thermodynamic stability) performed at Invitae indicates that this missense variant is expected to disrupt ATM protein function. This variant has not been reported in the literature in individuals affected with ATM-related conditions. This variant is not present in population databases (gnomAD no frequency). This sequence change replaces glutamine, which is neutral and polar, with arginine, which is basic and polar, at codon 2729 of the ATM protein (p.Gln2729Arg).

NM_000051.4(ATM):c.8186A>G (p.Gln2729Arg)

Genes: ATM (ATM serine/threonine kinase; plus strand), C11orf65 (chromosome 11 open reading frame 65; minus strand). Cytogenetic location: 11q22.3.
Variant type: single nucleotide variant.
Coding change: c.8186A>G on transcript NM_000051.4 (MANE Select); coding-DNA position 8186, A replaced by G.
Protein change: p.Gln2729Arg; replaces glutamine 2729 with arginine.
Molecular consequence: missense variant. On other transcripts: intron variant (2).
Genome position (GRCh38, 1-based): chr11:108,335,879, A>G. VCF-style: chr11-108335879-A-G. GRCh37 (hg19) VCF-style: chr11-108206606-A-G.
Other names: c.8186A>G, p.Gln2729Arg (NM_001351834.2); c.641-26808T>C (NM_001330368.2); c.695-587T>C (NM_001351110.2); short protein forms Q2729R.
Identifiers: ClinVar variation 1714080 (VCV001714080.6), dbSNP rs1555128350, ClinGen allele CA382562529.